The following is an entry in ClinVar:

ClinVar aggregate classification (germline): Uncertain significance. Review status: criteria provided, multiple submitters, no conflicts (2 of 4 stars). 3 submissions from 3 submitters: Uncertain significance (3). Last evaluated 2026-01-16.

Conditions:
Hereditary cancer-predisposing syndrome. Also called: Neoplastic Syndromes, Hereditary; Hereditary neoplastic syndrome; Tumor predisposition; Hereditary Cancer Syndrome. Identifiers: Orphanet 140162, MedGen C0027672, MeSH D009386, MONDO:0015356.
Tuberous sclerosis 1 (TSC1). Identifiers: Orphanet 805, MedGen C1854465, MONDO:0008612, OMIM 191100.

gnomAD v4.1: 1 of 1,614,202 alleles (0.000062%); highest among the groups gnomAD compares: Admixed American, 0.0017%; no homozygotes.

Submissions (3):

Labcorp Genetics (formerly Invitae), Labcorp
Classification: Uncertain significance for Tuberous sclerosis 1. Last evaluated: 2026-01-16. Review status: criteria provided, single submitter. Criteria: Invitae Variant Classification Sherloc (09022015). Collection method: clinical testing. Allele origin: germline.
Comment: This sequence change replaces arginine, which is basic and polar, with serine, which is neutral and polar, at codon 947 of the TSC1 protein (p.Arg947Ser). This variant is not present in population databases (gnomAD no frequency). This missense change has been observed in individual(s) with epilepsy (PMID: 29619247). This variant is also known as R946S. ClinVar contains an entry for this variant (Variation ID: 534463). Invitae Evidence Modeling of protein sequence and biophysical properties (such as structural, functional, and spatial information, amino acid conservation, physicochemical variation, residue mobility, and thermodynamic stability) indicates that this missense variant is not expected to disrupt TSC1 protein function with a negative predictive value of 95%. In summary, the available evidence is currently insufficient to determine the role of this variant in disease. Therefore, it has been classified as a Variant of Uncertain Significance.

GeneDx
Classification: Uncertain significance. Last evaluated: 2023-06-29. Review status: criteria provided, single submitter. Criteria: GeneDx Variant Classification Process June 2021. Collection method: clinical testing. Allele origin: germline. Affected: yes.
Comment: In silico analysis supports that this missense variant has a deleterious effect on protein structure/function; Has not been previously published as pathogenic or benign to our knowledge; This variant is associated with the following publications: (PMID: 18466115, 29619247)

Sema4
Classification: Uncertain significance for Hereditary cancer-predisposing syndrome. Last evaluated: 2021-11-22. Review status: criteria provided, single submitter. Criteria: Sema4 Curation Guidelines. Collection method: curation. Allele origin: germline.
Comment: To the best of our knowledge, the TSC1 c.2841G>T (p.R947S) variant has not been reported in individuals in TSC1-related cancers. This variant is not reported in the large and broad cohorts of the Genome Aggregation Database (PMID: 32461654). This variant has been reported in ClinVar (Variation ID 534463). Functional studies have not been performed, and in silico predictions of the variant's effect on protein function are inconclusive. The overall evidence is insufficient to meet ACMG/AMP criteria for classifying it as benign or pathogenic. In summary, the clinical significance of this variant is currently uncertain.

Literature cited by the submitters: PubMed 29619247 (cited by Labcorp Genetics (formerly Invitae), Labcorp).

NM_000368.5(TSC1):c.2841G>T (p.Arg947Ser)

Gene: TSC1 (TSC complex subunit 1; minus strand). Cytogenetic location: 9q34.13.
Variant type: single nucleotide variant.
Coding change: c.2841G>T on transcript NM_000368.5 (MANE Select); coding-DNA position 2841, G replaced by T.
Protein change: p.Arg947Ser; replaces arginine 947 with serine.
Molecular consequence: missense variant.
Genome position (GRCh38, 1-based): chr9:132,897,318, C>A on the plus strand (G>T on the coding strand, the complement: TSC1 is on the minus strand). VCF-style: chr9-132897318-C-A. GRCh37 (hg19) VCF-style: chr9-135772705-C-A.
Other names: c.2838G>T, p.Arg946Ser (NM_001162426.2); c.2688G>T, p.Arg896Ser (NM_001162427.2); c.2478G>T, p.Arg826Ser (NM_001362177.2); short protein forms R947S, R826S, R896S, R946S.
Identifiers: ClinVar variation 534463 (VCV000534463.12), dbSNP rs1417111404, ClinGen allele CA375368894.